The following is an entry in ClinVar:

ClinVar aggregate classification (germline): Likely benign. Review status: criteria provided, single submitter (1 of 4 stars). 2 submissions from 2 submitters: Likely benign (1). 1 of the submissions does not count toward it. Last evaluated 2023-10-09.

Conditions:
Bardet-Biedl syndrome (BBS). Identifiers: Orphanet 110, MedGen C0752166, MONDO:0015229.
TRIM32-related disorder. Also called: TRIM32-related condition.

Allele frequency attached by ClinVar (database versions not stated): gnomAD exomes below 0.00001.
gnomAD v4.1: 1 of 1,614,176 alleles (0.000062%); highest among the groups gnomAD compares: Non-Finnish European, 0.000085%; no homozygotes.

Submissions (2):

Labcorp Genetics (formerly Invitae), Labcorp
Classification: Likely benign for Bardet-Biedl syndrome. Last evaluated: 2023-10-09. Review status: criteria provided, single submitter. Criteria: Invitae Variant Classification Sherloc (09022015). Collection method: clinical testing. Allele origin: germline.

PreventionGenetics, part of Exact Sciences
Classification: Likely benign for TRIM32-related condition. Last evaluated: 2022-05-28. Review status: no assertion criteria provided. Collection method: clinical testing. Allele origin: germline. Not counted in ClinVar's aggregate classification.
Comment: This variant is classified as likely benign based on ACMG/AMP sequence variant interpretation guidelines (Richards et al. 2015 PMID: 25741868, with internal and published modifications).

NM_012210.4(TRIM32):c.159C>T (p.Ala53=)

Genes: ASTN2 (astrotactin 2; minus strand), TRIM32 (tripartite motif containing 32; plus strand). Cytogenetic location: 9q33.1.
Variant type: single nucleotide variant.
Coding change: c.159C>T on transcript NM_012210.4 (MANE Select); coding-DNA position 159, C replaced by T.
Protein change: p.Ala53=; no amino-acid change (alanine 53 retained).
Molecular consequence: synonymous variant. On other transcripts: intron variant (3).
Genome position (GRCh38, 1-based): chr9:116,697,901, C>T. VCF-style: chr9-116697901-C-T. GRCh37 (hg19) VCF-style: chr9-119460180-C-T.
Other names: c.159C>T, p.Ala53= (NM_001099679.2, NM_001379048.1, NM_001379049.1 and 1 more transcripts); c.2653+27870G>A (NM_014010.5); c.2794+27870G>A (NM_001365069.1); c.2806+27870G>A (NM_001365068.1).
Identifiers: ClinVar variation 1641153 (VCV001641153.9), dbSNP rs2132070452, ClinGen allele CA466915811.